The following is an entry in ClinVar:

NM_001134407.3(GRIN2A):c.1308T>C (p.Cys436=)

Gene: GRIN2A (glutamate ionotropic receptor NMDA type subunit 2A; minus strand). Cytogenetic location: 16p13.2.
Variant type: single nucleotide variant.
Coding change: c.1308T>C on transcript NM_001134407.3 (MANE Select); coding-DNA position 1308, T replaced by C.
Protein change: p.Cys436=; no amino-acid change (cysteine 436 retained).
Molecular consequence: synonymous variant.
Genome position (GRCh38, 1-based): chr16:9,849,776, A>G on the plus strand (T>C on the coding strand, the complement: GRIN2A is on the minus strand). VCF-style: chr16-9849776-A-G. GRCh37 (hg19) VCF-style: chr16-9943633-A-G.
Other names: c.1308T>C, p.Cys436= (NM_000833.5, NM_001134408.2).
Identifiers: ClinVar variation 2153199 (VCV002153199.21), dbSNP rs1222001106, ClinGen allele CA493686525.
Genomic context (GRCh38, chr16:9,849,776, plus strand): 5'-GGGTTGGGCACGTTCAGGTGACAGCATTCCTGCCACTCACTTGATTTTGACGAACTTCCG[A>G]CATGGCACGGTGTTCCTCACACACGTCTCGGTCAGGGGGTCTATGTCTTCCACGATGACG-3'
Protein context (NP_001127879.1, residues 426-446): TETCVRNTVP[Cys436=]RKFVKINNST

ClinVar aggregate classification (germline): Likely benign. Review status: criteria provided, multiple submitters, no conflicts (2 of 4 stars). 2 submissions from 2 submitters: Likely benign (2). Last evaluated 2025-05-30.

Conditions:
Landau-Kleffner syndrome (FESD). Also called: EPILEPSY, FOCAL, WITH SPEECH DISORDER AND WITH OR WITHOUT MENTAL RETARDATION; APHASIA, ACQUIRED, WITH EPILEPSY. Identifiers: Orphanet 1945, Orphanet 725, Orphanet 98818, MedGen C0282512, MONDO:0009509, OMIM 245570.

Submissions (2):

Labcorp Genetics (formerly Invitae), Labcorp
Classification: Likely benign for Landau-Kleffner syndrome. Last evaluated: 2025-05-30. Review status: criteria provided, single submitter. Criteria: Invitae Variant Classification Sherloc (09022015). Collection method: clinical testing. Allele origin: germline.

CeGaT Center for Human Genetics Tuebingen
Classification: Likely benign. Last evaluated: 2024-07-01. Review status: criteria provided, single submitter. Criteria: CeGaT Center For Human Genetics Tuebingen Variant Classification Criteria Version 2. Collection method: clinical testing. Allele origin: germline. Affected: yes. Observed: 1 variant allele.
Comment: GRIN2A: PM2:Supporting, BP4, BP7